The following is an entry in ClinVar:

ClinVar aggregate classification (germline): Likely benign. Review status: criteria provided, multiple submitters, no conflicts (2 of 4 stars). 3 submissions from 3 submitters: Likely benign (3). Last evaluated 2025-04-08.

Conditions:
Tuberous sclerosis 1 (TSC1). Identifiers: Orphanet 805, MedGen C1854465, MONDO:0008612, OMIM 191100.
Tuberous sclerosis syndrome (TSC). Also called: Tuberous sclerosis; Tuberous Sclerosis Complex. Identifiers: Orphanet 805, MedGen C0041341, MONDO:0001734.

Submissions (3):

Myriad Genetics, Inc.
Classification: Likely benign for Tuberous sclerosis 1. Last evaluated: 2025-04-08. Review status: criteria provided, single submitter. Criteria: Myriad Autosomal Dominant, Autosomal Recessive and X-Linked Classification Criteria (2023). Collection method: clinical testing. Allele origin: unknown.
Comment: This variant is considered likely benign. This variant is intronic and is not expected to impact mRNA splicing.

Labcorp Genetics (formerly Invitae), Labcorp
Classification: Likely benign for Tuberous sclerosis 1. Last evaluated: 2024-04-30. Review status: criteria provided, single submitter. Criteria: Invitae Variant Classification Sherloc (09022015). Collection method: clinical testing. Allele origin: germline.

Color Diagnostics, LLC DBA Color Health
Classification: Likely benign for Tuberous sclerosis syndrome. Last evaluated: 2022-05-17. Review status: criteria provided, single submitter. Criteria: ACMG Guidelines, 2015. Collection method: clinical testing. Allele origin: germline.

NM_000368.5(TSC1):c.364-13dup

Gene: TSC1 (TSC complex subunit 1; minus strand). Cytogenetic location: 9q34.13.
Variant type: Duplication.
Coding change: c.364-13dup on transcript NM_000368.5 (MANE Select); 13 bases into the intron before coding-DNA position 364, one base duplicated (T; older notation c.364-13dupT).
Molecular consequence: intron variant.
Genome position (GRCh38, 1-based): chr9:132,923,502, A duplicated on the plus strand (T on the coding strand, the reverse complement: TSC1 is on the minus strand); the first of 4 consecutive A bases (chr9:132,923,502-132,923,505); duplicating any one gives the same sequence. VCF-style (leftmost placement, unchanged base first): chr9-132923501-G-GA. GRCh37 (hg19) VCF-style: chr9-135798888-G-GA.
Other names: c.1-13dup (NM_001362177.2); c.211-13dup (NM_001162427.2); c.364-13dup (NM_001162426.2); c.364-10dup (NM_000368.5).
Identifiers: ClinVar variation 743943 (VCV000743943.12), dbSNP rs1355054898, ClinGen allele CA860681833.